The following is an entry in ClinVar:

ClinVar aggregate classification (germline): Conflicting classifications of pathogenicity. Review status: criteria provided, conflicting classifications (1 of 4 stars). 4 submissions from 4 submitters: Uncertain significance (3); Likely benign (1). Last evaluated 2025-12-02.

Conditions:
Myofibrillar myopathy 5. Also called: Filaminopathy (type); FILAMINOPATHY, AUTOSOMAL DOMINANT. Identifiers: Orphanet 171445, MedGen C1836050, MONDO:0012289, OMIM 609524.
Hypertrophic cardiomyopathy 26. Also called: Cardiomyopathy, familial hypertrophic, 26. Identifiers: Orphanet 75249, MedGen C4310749, MONDO:0014883, OMIM 617047.
Distal myopathy with posterior leg and anterior hand involvement. Also called: WILLIAMS DISTAL MYOPATHY. Identifiers: Orphanet 63273, MedGen C3279722, MONDO:0013550, OMIM 614065.
Cardiovascular phenotype. Identifiers: MedGen CN230736.

Allele frequency attached by ClinVar (database versions not stated): ExAC 0.00001; gnomAD exomes 0.00001 and 0.00003; TOPMed 0.00001.
gnomAD v4.1: 44 of 1,610,368 alleles (0.0027%); highest among the groups gnomAD compares: East Asian, 0.098%; no homozygotes.

Submissions (4):

Labcorp Genetics (formerly Invitae), Labcorp
Classification: Likely benign for Distal myopathy with posterior leg and anterior hand involvement; Myofibrillar myopathy 5; Hypertrophic cardiomyopathy 26. Last evaluated: 2025-12-02. Review status: criteria provided, single submitter. Criteria: Invitae Variant Classification Sherloc (09022015). Collection method: clinical testing. Allele origin: germline.

Ambry Genetics
Classification: Uncertain significance for Cardiovascular phenotype. Last evaluated: 2022-09-25. Review status: criteria provided, single submitter. Criteria: Ambry Variant Classification Scheme 2023. Collection method: clinical testing. Allele origin: germline.
Comment: The p.S589L variant (also known as c.1766C>T), located in coding exon 11 of the FLNC gene, results from a C to T substitution at nucleotide position 1766. The serine at codon 589 is replaced by leucine, an amino acid with dissimilar properties. This amino acid position is highly conserved in available vertebrate species. In addition, this alteration is predicted to be deleterious by in silico analysis. Since supporting evidence is limited at this time, the clinical significance of this alteration remains unclear.

Fulgent Genetics
Classification: Uncertain significance for Myofibrillar myopathy 5; Distal myopathy with posterior leg and anterior hand involvement; Hypertrophic cardiomyopathy 26. Last evaluated: 2021-12-28. Review status: criteria provided, single submitter. Criteria: ACMG Guidelines, 2015. Collection method: clinical testing. Allele origin: unknown.

Blueprint Genetics
Classification: Uncertain significance. Last evaluated: 2021-03-31. Review status: criteria provided, single submitter. Criteria: ACMG Guidelines, 2015. Collection method: clinical testing. Allele origin: germline.

Literature cited by the submitters: PubMed 28664140 (cited by Ambry Genetics).

NM_001458.5(FLNC):c.1766C>T (p.Ser589Leu)

Gene: FLNC (filamin C; plus strand). Cytogenetic location: 7q32.1.
Variant type: single nucleotide variant.
Coding change: c.1766C>T on transcript NM_001458.5 (MANE Select); coding-DNA position 1766, C replaced by T.
Protein change: p.Ser589Leu; replaces serine 589 with leucine.
Molecular consequence: missense variant.
Genome position (GRCh38, 1-based): chr7:128,840,923, C>T. VCF-style: chr7-128840923-C-T. GRCh37 (hg19) VCF-style: chr7-128480977-C-T.
Other names: c.1766C>T, p.Ser589Leu (NM_001127487.2); short protein forms S589L.
Identifiers: ClinVar variation 580201 (VCV000580201.11), dbSNP rs780098760, ClinGen allele CA4474469.